The following is an entry in ClinVar:

ClinVar aggregate classification (germline): Likely pathogenic. Review status: criteria provided, multiple submitters, no conflicts (2 of 4 stars). 3 submissions from 3 submitters: Likely pathogenic (2). 1 of the submissions does not count toward it. Last evaluated 2024-07-02.

Conditions:
Multiple mitochondrial dysfunctions syndrome 3 (MMDS3). Identifiers: Orphanet 363424, MedGen C3809165, MONDO:0014132, OMIM 615330.

gnomAD v4.1: 3 of 1,534,178 alleles (0.0002%); highest among the groups gnomAD compares: Non-Finnish European, 0.00026%; no homozygotes.

Submissions (3):

GeneDx
Classification: Likely pathogenic. Last evaluated: 2024-07-02. Review status: criteria provided, single submitter. Criteria: GeneDx Variant Classification Process June 2021. Collection method: clinical testing. Allele origin: germline. Affected: yes.
Comment: Not observed at significant frequency in large population cohorts (gnomAD); In silico analysis supports that this missense variant has a deleterious effect on protein structure/function; This variant is associated with the following publications: (PMID: 36360281, 33890810, 37903659, Abstract_Cabrero2021, Jiang2024[preprint])

Juno Genomics, Hangzhou Juno Genomics, Inc
Classification: Likely pathogenic for Multiple mitochondrial dysfunctions syndrome 3. Review status: criteria provided, single submitter. Criteria: ACMG Guidelines, 2015. Collection method: clinical testing. Allele origin: germline. Affected: yes.
Comment: Absent from controls (or at extremely low frequency if recessive) in Genome Aggregation Database, Exome Sequencing Project, 1000 Genomes Project, or Exome Aggregation Consortium.;Multiple lines of computational evidence support a deleterious effect on the gene or gene product (conservation, evolutionary, splicing impact, etc).;For recessive disorders, detected in trans with a pathogenic variant.

OMIM
Classification: Pathogenic for MULTIPLE MITOCHONDRIAL DYSFUNCTIONS SYNDROME 3. Last evaluated: 2023-12-22. Review status: no assertion criteria provided. Collection method: literature only. Allele origin: germline. Not counted in ClinVar's aggregate classification.

Literature cited by the submitters: PubMed 37903659 (cited by OMIM).

NM_001010867.4(IBA57):c.310G>T (p.Gly104Cys)

Gene: IBA57 (iron-sulfur cluster assembly factor IBA57; plus strand). Cytogenetic location: 1q42.13.
Variant type: single nucleotide variant.
Coding change: c.310G>T on transcript NM_001010867.4 (MANE Select); coding-DNA position 310, G replaced by T.
Protein change: p.Gly104Cys; replaces glycine 104 with cysteine.
Molecular consequence: missense variant.
Genome position (GRCh38, 1-based): chr1:228,166,126, G>T. VCF-style: chr1-228166126-G-T. GRCh37 (hg19) VCF-style: chr1-228353827-G-T.
Other names: c.310G>T (NM_001010867.2); short protein forms G104C.
Identifiers: ClinVar variation 2674638 (VCV002674638.4), dbSNP rs936626275, ClinGen allele CA38736631.
Genomic context (GRCh38, chr1:228,166,126, plus strand): 5'-GCGGCCGCGGGGGCCCCGCCTGCTGCGCGCGCGGGCTACGCCCACTTCCTGAACGTGCAG[G>T]GCCGGACGCTCTATGACGTCATCTTGTACGGGTGAGCGCGTGCTGGGAGGGCGCTCGGGG-3'
Protein context (NP_001010867.1, residues 94-114): AGYAHFLNVQ[Gly104Cys]RTLYDVILYG